The following is an entry in ClinVar:

NM_004444.5(EPHB4):c.667T>C (p.Cys223Arg)

Gene: EPHB4 (EPH receptor B4; minus strand). Cytogenetic location: 7q22.1.
Variant type: single nucleotide variant.
Coding change: c.667T>C on transcript NM_004444.5 (MANE Select); coding-DNA position 667, T replaced by C.
Protein change: p.Cys223Arg; replaces cysteine 223 with arginine.
Molecular consequence: missense variant.
Genome position (GRCh38, 1-based): chr7:100,822,412, A>G on the plus strand (T>C on the coding strand, the complement: EPHB4 is on the minus strand). VCF-style: chr7-100822412-A-G. GRCh37 (hg19) VCF-style: chr7-100420034-A-G.
Other names: short protein forms C223R.
Identifiers: ClinVar variation 5007113 (VCV005007113.2).
Genomic context (GRCh38, chr7:100,822,412, plus strand): 5'-CATCCTCACGGCAGTAGAGGCTGGGGCTGGGGCCAGGGGCGGGGACGGCATCCACCACGC[A>G]GCTACCGGCCACGGGCACAACCAGCTCCCGAGGCACAGTCTCCGGGAATCGAGTCAGGTT-3'
Protein context (NP_004435.3, residues 213-233): RELVVPVAGS[Cys223Arg]VVDAVPAPGP

ClinVar aggregate classification (germline): Uncertain significance (1 of 4 stars; one submission).

Conditions:
Capillary malformation-arteriovenous malformation 2 (CMAVM2). Identifiers: Orphanet 693912, MedGen C4748670, MONDO:0020785, OMIM 618196.
Lymphatic malformation 7 (LMPHM7). Also called: Hydrops fetalis, nonimmune, and/or atrial septal defect, susceptibility to. Identifiers: MedGen C4310629, MONDO:0015009, OMIM 617300.

Submission:

Juno Genomics, Hangzhou Juno Genomics, Inc
Classification: Uncertain significance for Capillary malformation-arteriovenous malformation 2; Lymphatic malformation 7. Review status: criteria provided, single submitter. Criteria: ACMG Guidelines, 2015. Collection method: clinical testing. Allele origin: germline.
Comment: Absent from controls (or at extremely low frequency if recessive) in Genome Aggregation Database.;Multiple lines of computational evidence support a deleterious effect on the gene or gene product.